The following is an entry in ClinVar:

NM_015346.4(ZFYVE26):c.5873_5874insTCTCTTATACACATCT (p.Cys1959fs)

Gene: ZFYVE26 (zinc finger FYVE-type containing 26; minus strand). Cytogenetic location: 14q24.1.
Variant type: Insertion.
Coding change: c.5873_5874insTCTCTTATACACATCT on transcript NM_015346.4 (MANE Select); coding-DNA positions 5873 to 5874, TCTCTTATACACATCT inserted.
Protein change: p.Cys1959fs; shifts the reading frame from cysteine 1959.
Molecular consequence: frameshift variant.
Genome position: GRCh38 VCF-style: chr14-67766364-G-GAGATGTGTATAAGAGA. GRCh37 (hg19) VCF-style: chr14-68233081-G-GAGATGTGTATAAGAGA.
Other names: short protein forms C1959fs.
Identifiers: ClinVar variation 5011279 (VCV005011279.1).

ClinVar aggregate classification (germline): Pathogenic (1 of 4 stars; one submission).

Conditions:
Hereditary spastic paraplegia 15 (SPG15). Also called: SPASTIC PARAPLEGIA 15, AUTOSOMAL RECESSIVE; KJELLIN SYNDROME; SPASTIC PARAPLEGIA AND RETINAL DEGENERATION. Identifiers: Orphanet 100996, MedGen C1849128, MONDO:0010044, OMIM 270700.

Submission:

Myriad Genetics, Inc.
Classification: Pathogenic for Hereditary spastic paraplegia 15. Last evaluated: 2023-08-09. Review status: criteria provided, single submitter. Criteria: Myriad Autosomal Dominant, Autosomal Recessive and X-Linked Classification Criteria (2023). Collection method: clinical testing. Allele origin: unknown.
Comment: NM_015346.3(ZFYVE26):c.5873_5874ins16(C1959Lfs*50) is expected to be pathogenic in the context of spastic paraplegia type 15. This variant is predicted to lead to an abnormal or absent protein product due to the creation of a premature termination codon in ZFYVE26, a gene where loss-of-function variants are known to be pathogenic. Please note: this variant was assessed in the context of healthy population screening.